The following is an entry in ClinVar:

NM_000548.5(TSC2):c.3413G>T (p.Arg1138Leu)

Gene: TSC2 (TSC complex subunit 2; plus strand). Cytogenetic location: 16p13.3.
Variant type: single nucleotide variant.
Coding change: c.3413G>T on transcript NM_000548.5 (MANE Select); coding-DNA position 3413, G replaced by T.
Protein change: p.Arg1138Leu; replaces arginine 1138 with leucine.
Molecular consequence: missense variant.
Genome position (GRCh38, 1-based): chr16:2,080,180, G>T. VCF-style: chr16-2080180-G-T. GRCh37 (hg19) VCF-style: chr16-2130181-G-T.
Other names: c.3281G>T, p.Arg1094Leu (NM_001077183.3, NM_001370404.1); c.3413G>T, p.Arg1138Leu (NM_001114382.3); c.3173G>T, p.Arg1058Leu (NM_001318827.2); c.3137G>T, p.Arg1046Leu (NM_001318829.2); c.2681G>T, p.Arg894Leu (NM_001318831.2); c.3314G>T, p.Arg1105Leu (NM_001318832.2); c.3284G>T, p.Arg1095Leu (NM_001363528.2, NM_001370405.1, NM_021055.3); short protein forms R1138L, R1058L, R894L, R1046L, R1094L, R1095L, R1105L.
Identifiers: ClinVar variation 468012 (VCV000468012.9), dbSNP rs143168379, ClinGen allele CA394288453.

ClinVar aggregate classification (germline): Uncertain significance. Review status: criteria provided, multiple submitters, no conflicts (2 of 4 stars). 2 submissions from 2 submitters: Uncertain significance (2). Last evaluated 2024-03-13.

Conditions:
Tuberous sclerosis 2 (TSC2). Identifiers: Orphanet 805, MedGen C1860707, MONDO:0013199, OMIM 613254.
Hereditary cancer-predisposing syndrome. Also called: Hereditary neoplastic syndrome; Neoplastic Syndromes, Hereditary; Tumor predisposition; Hereditary Cancer Syndrome. Identifiers: Orphanet 140162, MedGen C0027672, MeSH D009386, MONDO:0015356.

Submissions (2):

Ambry Genetics
Classification: Uncertain significance for Hereditary cancer-predisposing syndrome. Last evaluated: 2024-03-13. Review status: criteria provided, single submitter. Criteria: Ambry Variant Classification Scheme 2023. Collection method: clinical testing. Allele origin: germline.
Comment: The p.R1138L variant (also known as c.3413G>T), located in coding exon 29 of the TSC2 gene, results from a G to T substitution at nucleotide position 3413. The arginine at codon 1138 is replaced by leucine, an amino acid with dissimilar properties. This amino acid position is conserved. In addition, this alteration is predicted to be deleterious by in silico analysis. Based on the available evidence, the clinical significance of this alteration remains unclear.

Labcorp Genetics (formerly Invitae), Labcorp
Classification: Uncertain significance for Tuberous sclerosis 2. Last evaluated: 2017-01-02. Review status: criteria provided, single submitter. Criteria: Invitae Variant Classification Sherloc (09022015). Collection method: clinical testing. Allele origin: germline.
Comment: In summary, this variant is a novel missense change with uncertain impact on protein function. It has been classified as a Variant of Uncertain Significance. Algorithms developed to predict the effect of missense changes on protein structure and function do not agree on the potential impact of this missense change (SIFT: "Deleterious"; PolyPhen-2: "Probably Damaging"; Align-GVGD: "Class C0"). This variant is not present in population databases (ExAC no frequency) and has not been reported in the literature in individuals with a TSC2-related disease. This sequence change replaces arginine with leucine at codon 1138 of the TSC2 protein (p.Arg1138Leu). The arginine residue is highly conserved and there is a moderate physicochemical difference between arginine and leucine.